The following is an entry in ClinVar:

NM_000540.3(RYR1):c.5758G>A (p.Glu1920Lys)

Gene: RYR1 (ryanodine receptor 1; plus strand). Cytogenetic location: 19q13.2.
Variant type: single nucleotide variant.
Coding change: c.5758G>A on transcript NM_000540.3 (MANE Select); coding-DNA position 5758, G replaced by A.
Protein change: p.Glu1920Lys; replaces glutamic acid 1920 with lysine.
Molecular consequence: missense variant.
Genome position (GRCh38, 1-based): chr19:38,489,387, G>A. VCF-style: chr19-38489387-G-A. GRCh37 (hg19) VCF-style: chr19-38980027-G-A.
Other names: c.5758G>A, p.Glu1920Lys (NM_001042723.2); short protein forms E1920K.
Identifiers: ClinVar variation 3385408 (VCV003385408.1).
Genomic context (GRCh38, chr19:38,489,387, plus strand): 5'-GCACAGGAAAAGGAAGATGAGGAAAAAGAGGAAGAGGAGGCAGCAGAAGGGGAGAAAGAA[G>A]AAGGCTTGGAGGAAGGGCTGCTCCAGATGAAGTTGCCAGAGTCTGTGAAGTTACAGGTGG-3'
Protein context (NP_000531.2, residues 1910-1930): EEEAAEGEKE[Glu1920Lys]GLEEGLLQMK

ClinVar aggregate classification (germline): Uncertain significance (1 of 4 stars; one submission).

Conditions:
Malignant hyperthermia, susceptibility to, 1 (MHS1). Also called: Anesthesia related hyperthermia; Malignant hyperpyrexia; Fulminating hyperpyrexia; Pharmacogenic myopathy; Malignant hyperthermia suceptibility 1; RYR1-Related Malignant Hyperthermia Susceptibility. Identifiers: Orphanet 423, MedGen C2930980, MONDO:0007783, OMIM 145600.

Submission:

All of Us Research Program, National Institutes of Health
Classification: Uncertain significance for Malignant hyperthermia, susceptibility to, 1. Last evaluated: 2024-02-22. Review status: criteria provided, single submitter. Criteria: ACMG Guidelines, 2015. Collection method: clinical testing. Allele origin: germline. Inheritance: Autosomal dominant inheritance. Observed: 1 variant allele, 1 heterozygote.
Comment: This missense variant replaces glutamic acid with lysine at codon 1920 of the RYR1 protein. Computational prediction suggests that this variant may not impact protein structure and function (internally defined REVEL score threshold <= 0.5, PMID: 27666373). To our knowledge, functional studies have not been reported for this variant. This variant has not been reported in individuals affected with RYR1-related disorders in the literature. This variant has not been identified in the general population by the Genome Aggregation Database (gnomAD). The available evidence is insufficient to determine the role of this variant in disease conclusively. Therefore, this variant is classified as a Variant of Uncertain Significance.

This study involves interpretation of variants in research participants for the purpose of population health screening. Participant phenotype was not available at the time of variant classification. Additional details can be found in publication PMID: 35346344, PMCID: PMC8962531